The following is an entry in ClinVar:

ClinVar aggregate classification (germline): Uncertain significance. Review status: criteria provided, multiple submitters, no conflicts (2 of 4 stars). 5 submissions from 5 submitters: Uncertain significance (5). Last evaluated 2026-06-13.

Conditions:
COG7-related disorder. Also called: COG7-related condition.
Inborn genetic diseases. Identifiers: MedGen C0950123, MeSH D030342.
COG7 congenital disorder of glycosylation (CDG2E). Also called: CONGENITAL DISORDER OF GLYCOSYLATION, TYPE IIe; CDG IIe. Identifiers: Orphanet 79333, MedGen C2931010, MONDO:0012118, OMIM 608779.

Allele frequency attached by ClinVar (database versions not stated): gnomAD exomes 0.00003 and 0.00006; gnomAD 0.00023 and 0.00024; 1000 Genomes Project 30x 0.00031; TOPMed 0.00034; ESP Exome Variant Server 0.00038; ExAC 0.00010; 1000 Genomes Project 0.00020.
gnomAD v4.1: 86 of 1,613,962 alleles (0.0053%); highest among the groups gnomAD compares: African/African-American, 0.084%; no homozygotes.

Submissions (5):

PreventionGenetics, part of Exact Sciences
Classification: Uncertain significance for COG7-related condition. Last evaluated: 2026-06-13. Review status: criteria provided, single submitter. Criteria: ACMG Guidelines, 2015. Collection method: clinical testing. Allele origin: germline.
Comment: The COG7 c.2192G>A variant is predicted to result in the amino acid substitution p.Arg731His. To our knowledge, this variant has not been reported in the literature. This variant is reported in 0.072% of alleles in individuals of African descent in gnomAD. Although we suspect that this variant may be benign, at this time, the clinical significance of this variant is uncertain due to the absence of conclusive functional and genetic evidence.

Ambry Genetics
Classification: Uncertain significance for Inborn genetic diseases. Last evaluated: 2025-08-10. Review status: criteria provided, single submitter. Criteria: Ambry Variant Classification Scheme 2023. Collection method: clinical testing. Allele origin: germline.

Women's Health and Genetics/Laboratory Corporation of America, LabCorp
Classification: Uncertain significance. Last evaluated: 2025-06-10. Review status: criteria provided, single submitter. Criteria: LabCorp Variant Classification Summary - May 2015. Collection method: clinical testing. Allele origin: germline.
Comment: Variant summary: COG7 c.2192G>A (p.Arg731His) results in a non-conservative amino acid change in the encoded protein sequence. Algorithms developed to predict the effect of missense changes on protein structure and function are either unavailable or do not agree on the potential impact of this missense change. The variant allele was found at a frequency of 6.4e-05 in 249472 control chromosomes. This frequency is not significantly higher than estimated for a pathogenic variant in COG7 causing COG7 Congenital Disorder Of Glycosylation, allowing no conclusion about variant significance. To our knowledge, no occurrence of c.2192G>A in individuals affected with COG7 Congenital Disorder Of Glycosylation and no experimental evidence demonstrating its impact on protein function have been reported. ClinVar contains an entry for this variant (Variation ID: 1353399). Based on the evidence outlined above, the variant was classified as uncertain significance.

Labcorp Genetics (formerly Invitae), Labcorp
Classification: Uncertain significance for COG7 congenital disorder of glycosylation. Last evaluated: 2025-04-07. Review status: criteria provided, single submitter. Criteria: Invitae Variant Classification Sherloc (09022015). Collection method: clinical testing. Allele origin: germline.
Comment: This sequence change replaces arginine, which is basic and polar, with histidine, which is basic and polar, at codon 731 of the COG7 protein (p.Arg731His). This variant is present in population databases (rs149289920, gnomAD 0.06%). This variant has not been reported in the literature in individuals affected with COG7-related conditions. ClinVar contains an entry for this variant (Variation ID: 1353399). Invitae Evidence Modeling of protein sequence and biophysical properties (such as structural, functional, and spatial information, amino acid conservation, physicochemical variation, residue mobility, and thermodynamic stability) indicates that this missense variant is expected to disrupt COG7 protein function with a positive predictive value of 80%. In summary, the available evidence is currently insufficient to determine the role of this variant in disease. Therefore, it has been classified as a Variant of Uncertain Significance.

Revvity Omics, Revvity
Classification: Uncertain significance for COG7 congenital disorder of glycosylation. Last evaluated: 2020-07-19. Review status: criteria provided, single submitter. Criteria: ACMG Guidelines, 2015. Collection method: clinical testing. Allele origin: germline.

NM_153603.4(COG7):c.2192G>A (p.Arg731His)

Gene: COG7 (component of oligomeric golgi complex 7; minus strand). Cytogenetic location: 16p12.2.
Variant type: single nucleotide variant.
Coding change: c.2192G>A on transcript NM_153603.4 (MANE Select); coding-DNA position 2192, G replaced by A.
Protein change: p.Arg731His; replaces arginine 731 with histidine.
Molecular consequence: missense variant.
Genome position (GRCh38, 1-based): chr16:23,389,041, C>T on the plus strand (G>A on the coding strand, the complement: COG7 is on the minus strand). VCF-style: chr16-23389041-C-T. GRCh37 (hg19) VCF-style: chr16-23400362-C-T.
Other names: c.2192G>A (NM_153603.3); short protein forms R731H.
Identifiers: ClinVar variation 1353399 (VCV001353399.11), dbSNP rs149289920, ClinGen allele CA7960741.